The following is an entry in ClinVar:

ClinVar aggregate classification (germline): Likely benign (1 of 4 stars; one submission).

Allele frequency attached by ClinVar (database versions not stated): 1000 Genomes Project 30x 0.00078; 1000 Genomes Project 0.00080; TOPMed 0.00326; gnomAD 0.00368; ExAC 0.00409; ESP Exome Variant Server 0.00438; gnomAD exomes 0.00499.
gnomAD v4.1: 7,733 of 1,610,744 alleles (0.48%); highest among the groups gnomAD compares: Non-Finnish European, 0.57%; 34 homozygotes.

Submission:

CeGaT Center for Human Genetics Tuebingen
Classification: Likely benign. Last evaluated: 2025-06-01. Review status: criteria provided, single submitter. Criteria: CeGaT Center For Human Genetics Tuebingen Variant Classification Criteria Version 2. Collection method: clinical testing. Allele origin: germline. Affected: yes. Observed: 2 variant alleles.
Comment: MAP4K3: BP4, BS2

NM_003618.4(MAP4K3):c.1594A>G (p.Ile532Val)

Gene: MAP4K3 (mitogen-activated protein kinase kinase kinase kinase 3; minus strand). Cytogenetic location: 2p22.1.
Variant type: single nucleotide variant.
Coding change: c.1594A>G on transcript NM_003618.4 (MANE Select); coding-DNA position 1594, A replaced by G.
Protein change: p.Ile532Val; replaces isoleucine 532 with valine.
Molecular consequence: missense variant.
Genome position (GRCh38, 1-based): chr2:39,282,548, T>C on the plus strand (A>G on the coding strand, the complement: MAP4K3 is on the minus strand). VCF-style: chr2-39282548-T-C. GRCh37 (hg19) VCF-style: chr2-39509689-T-C.
Other names: c.1531A>G, p.Ile511Val (NM_001270425.2); c.1342A>G, p.Ile448Val (NM_001410753.1); short protein forms I448V, I511V, I532V.
Identifiers: ClinVar variation 2650846 (VCV002650846.24), dbSNP rs78142399, ClinGen allele CA1625680.
Genomic context (GRCh38, chr2:39,282,548, plus strand): 5'-AGCCTACTCCATATTTAGTACTTACATGCACTTTAGGTGTTGGAGGAAGACCATTACTAA[T>C]AGGCTTCTAGAAAAAGAACACATGTATGATTACACTTTTTTTGCTGCTGTTTGATATAAT-3'
Protein context (NP_003609.2, residues 522-542): RKEKKDVPKP[Ile532Val]SNGLPPTPKV